The following is an entry in ClinVar:

NM_001943.5(DSG2):c.1652-2dup

Gene: DSG2 (desmoglein 2; plus strand). Cytogenetic location: 18q12.1.
Variant type: Duplication.
Coding change: c.1652-2dup on transcript NM_001943.5 (MANE Select); the canonical splice acceptor site of the intron before coding-DNA position 1652, one base duplicated (A; older notation c.1652-2dupA).
Molecular consequence: splice acceptor variant.
Genome position (GRCh38, 1-based): chr18:31,538,749, A duplicated. VCF-style (leftmost placement, unchanged base first): chr18-31538748-T-TA. GRCh37 (hg19) VCF-style: chr18-29118711-T-TA.
Identifiers: ClinVar variation 1959084 (VCV001959084.4), dbSNP rs1432595859, ClinGen allele CA778419484.

ClinVar aggregate classification (germline): Uncertain significance (1 of 4 stars; one submission).

Conditions:
Arrhythmogenic right ventricular dysplasia 10. Also called: Arrhythmogenic Right Ventricular Dysplasia/Cardiomyopathy10; ARRHYTHMOGENIC RIGHT VENTRICULAR DYSPLASIA, FAMILIAL, 10; Arrhythmogenic right ventricular dysplasia/cardiomyopathy, type 10. Identifiers: MedGen C1857777, MONDO:0012434, OMIM 610193.

Allele frequency attached by ClinVar (database versions not stated): gnomAD 0.00001.

Submission:

Labcorp Genetics (formerly Invitae), Labcorp
Classification: Uncertain significance for Arrhythmogenic right ventricular dysplasia 10. Last evaluated: 2022-07-11. Review status: criteria provided, single submitter. Criteria: Invitae Variant Classification Sherloc (09022015). Collection method: clinical testing. Allele origin: germline.
Comment: Variants that disrupt the consensus splice site are a relatively common cause of aberrant splicing (PMID: 17576681, 9536098). Algorithms developed to predict the effect of sequence changes on RNA splicing suggest that this variant may disrupt the consensus splice site. In summary, the available evidence is currently insufficient to determine the role of this variant in disease. Therefore, it has been classified as a Variant of Uncertain Significance. This variant has not been reported in the literature in individuals affected with DSG2-related conditions. This sequence change falls in intron 11 of the DSG2 gene. It does not directly change the encoded amino acid sequence of the DSG2 protein. It affects a nucleotide within the consensus splice site. This variant is not present in population databases (gnomAD no frequency).

Literature cited by the submitters: PubMed 17576681; PubMed 9536098.